The following is an entry in ClinVar:

NM_001458.5(FLNC):c.5043G>A (p.Thr1681=)

Gene: FLNC (filamin C; plus strand). Cytogenetic location: 7q32.1.
Variant type: single nucleotide variant.
Coding change: c.5043G>A on transcript NM_001458.5 (MANE Select); coding-DNA position 5043, G replaced by A.
Protein change: p.Thr1681=; no amino-acid change (threonine 1681 retained).
Molecular consequence: synonymous variant.
Genome position (GRCh38, 1-based): chr7:128,849,422, G>A. VCF-style: chr7-128849422-G-A. GRCh37 (hg19) VCF-style: chr7-128489476-G-A.
Other names: c.5043G>A, p.Thr1681= (NM_001127487.2).
Identifiers: ClinVar variation 1122631 (VCV001122631.13), dbSNP rs200405579, ClinGen allele CA4475549.

ClinVar aggregate classification (germline): Likely benign. Review status: criteria provided, multiple submitters, no conflicts (2 of 4 stars). 4 submissions from 4 submitters: Likely benign (3). 1 of the submissions does not count toward it. Last evaluated 2024-09-17.

Conditions:
FLNC-related disorder. Also called: FLNC-related disorders; FLNC-related condition.
Hypertrophic cardiomyopathy 26. Also called: Cardiomyopathy, familial hypertrophic, 26. Identifiers: Orphanet 75249, MedGen C4310749, MONDO:0014883, OMIM 617047.
Myofibrillar myopathy 5. Also called: Filaminopathy (type); FILAMINOPATHY, AUTOSOMAL DOMINANT. Identifiers: Orphanet 171445, MedGen C1836050, MONDO:0012289, OMIM 609524.
Distal myopathy with posterior leg and anterior hand involvement. Also called: WILLIAMS DISTAL MYOPATHY. Identifiers: Orphanet 63273, MedGen C3279722, MONDO:0013550, OMIM 614065.
Dilated Cardiomyopathy, Dominant.
Cardiovascular phenotype. Identifiers: MedGen CN230736.

Allele frequency attached by ClinVar (database versions not stated): gnomAD exomes below 0.00001 and 0.00001; gnomAD 0.00001 and 0.00002; ExAC 0.00002; TOPMed 0.00002; 1000 Genomes Project 30x 0.00016; 1000 Genomes Project 0.00020.
gnomAD v4.1: 16 of 1,614,218 alleles (0.00099%); highest among the groups gnomAD compares: African/African-American, 0.0013%; no homozygotes.

Submissions (4):

Labcorp Genetics (formerly Invitae), Labcorp
Classification: Likely benign for Distal myopathy with posterior leg and anterior hand involvement; Myofibrillar myopathy 5; Hypertrophic cardiomyopathy 26. Last evaluated: 2024-09-17. Review status: criteria provided, single submitter. Criteria: Invitae Variant Classification Sherloc (09022015). Collection method: clinical testing. Allele origin: germline.

Fulgent Genetics
Classification: Likely benign for Myofibrillar myopathy 5; Distal myopathy with posterior leg and anterior hand involvement; Hypertrophic cardiomyopathy 26. Last evaluated: 2021-07-26. Review status: criteria provided, single submitter. Criteria: ACMG Guidelines, 2015. Collection method: clinical testing. Allele origin: unknown.

Ambry Genetics
Classification: Likely benign for Cardiovascular phenotype. Last evaluated: 2020-10-28. Review status: criteria provided, single submitter. Criteria: Ambry Variant Classification Scheme 2023. Collection method: clinical testing. Allele origin: germline.

PreventionGenetics, part of Exact Sciences
Classification: Likely benign for FLNC-related condition. Last evaluated: 2023-06-12. Review status: no assertion criteria provided. Collection method: clinical testing. Allele origin: germline. Not counted in ClinVar's aggregate classification.
Comment: This variant is classified as likely benign based on ACMG/AMP sequence variant interpretation guidelines (Richards et al. 2015 PMID: 25741868, with internal and published modifications).